The following is an entry in ClinVar:

ClinVar aggregate classification (germline): Uncertain significance (1 of 4 stars; one submission).

Conditions:
Catecholaminergic polymorphic ventricular tachycardia 1. Also called: VENTRICULAR TACHYCARDIA, CATECHOLAMINERGIC POLYMORPHIC, 1, WITH OR WITHOUT ATRIAL DYSFUNCTION AND/OR DILATED CARDIOMYOPATHY; RYR2-Related Catecholaminergic Polymorphic Ventricular Tachycardia; VENTRICULAR TACHYCARDIA, STRESS-INDUCED POLYMORPHIC 1. Identifiers: Orphanet 3286, MedGen C1631597, MONDO:0011484, OMIM 604772.

Submission:

Labcorp Genetics (formerly Invitae), Labcorp
Classification: Uncertain significance for Catecholaminergic polymorphic ventricular tachycardia 1. Last evaluated: 2022-05-23. Review status: criteria provided, single submitter. Criteria: Invitae Variant Classification Sherloc (09022015). Collection method: clinical testing. Allele origin: germline.
Comment: In summary, the available evidence is currently insufficient to determine the role of this variant in disease. Therefore, it has been classified as a Variant of Uncertain Significance. Algorithms developed to predict the effect of sequence changes on RNA splicing suggest that this variant may disrupt the consensus splice site. This variant has not been reported in the literature in individuals affected with TRDN-related conditions. This variant is not present in population databases (gnomAD no frequency). This sequence change creates a premature translational stop signal (p.Asp497Metfs*49) in the TRDN gene. It is expected to result in an absent or disrupted protein product. However, the current clinical and genetic evidence is not sufficient to establish whether loss-of-function variants in TRDN cause disease.

NM_006073.4(TRDN):c.1488del (p.Asp497fs)

Gene: TRDN (triadin; minus strand). Cytogenetic location: 6q22.31.
Variant type: Deletion.
Coding change: c.1488del on transcript NM_006073.4 (MANE Select); coding-DNA position 1488, one base deleted (A; older notation c.1488delA).
Protein change: p.Asp497fs; shifts the reading frame from aspartic acid 497.
Molecular consequence: frameshift variant.
Genome position (GRCh38, 1-based): chr6:123,316,479, T deleted on the plus strand (A on the coding strand, the reverse complement: TRDN is on the minus strand); the first of 6 consecutive T bases (chr6:123,316,479-123,316,484); deleting any one gives the same sequence. VCF-style (leftmost placement, unchanged base first): chr6-123316478-CT-C. GRCh37 (hg19) VCF-style: chr6-123637623-CT-C.
Other names: short protein forms D497fs.
Identifiers: ClinVar variation 2047795 (VCV002047795.4), dbSNP rs1451530666, ClinGen allele CA570332102.
Genomic context (GRCh38, chr6:123,316,478, plus strand): 5'-AACATCTCCTTGTATGTAAATCTTACAAAATATCCTTACCTGCTTTGGACATCTTTTCAT[CT>C]TTTTTAGTTTCAGGTTCTGGGGCAAAACGTACACATAAACACGTACAAACAAAAGGGAAA-3'